The following is an entry in ClinVar:

NM_001134363.3(RBM20):c.882C>A (p.Ser294Arg)

Gene: RBM20 (RNA binding motif protein 20; plus strand). Cytogenetic location: 10q25.2.
Variant type: single nucleotide variant.
Coding change: c.882C>A on transcript NM_001134363.3 (MANE Select); coding-DNA position 882, C replaced by A.
Protein change: p.Ser294Arg; replaces serine 294 with arginine.
Molecular consequence: missense variant.
Genome position (GRCh38, 1-based): chr10:110,781,491, C>A. VCF-style: chr10-110781491-C-A. GRCh37 (hg19) VCF-style: chr10-112541249-C-A.
Other names: c.882C>A (NM_001134363.1); short protein forms S294R.
Identifiers: ClinVar variation 538016 (VCV000538016.9), dbSNP rs374921844, ClinGen allele CA378384197.

ClinVar aggregate classification (germline): Uncertain significance. Review status: criteria provided, multiple submitters, no conflicts (2 of 4 stars). 2 submissions from 2 submitters: Uncertain significance (2). Last evaluated 2025-02-09.

Conditions:
Cardiovascular phenotype. Identifiers: MedGen CN230736.
Dilated cardiomyopathy 1DD (CMD1DD). Identifiers: Orphanet 154, MedGen C2750995, MONDO:0013168, OMIM 613172.

Submissions (2):

Ambry Genetics
Classification: Uncertain significance for Cardiovascular phenotype. Last evaluated: 2025-02-09. Review status: criteria provided, single submitter. Criteria: Ambry Variant Classification Scheme 2023. Collection method: clinical testing. Allele origin: germline.
Comment: The p.S294R variant (also known as c.882C>A), located in coding exon 2 of the RBM20 gene, results from a C to A substitution at nucleotide position 882. The serine at codon 294 is replaced by arginine, an amino acid with dissimilar properties. This amino acid position is conserved. In addition, this alteration is predicted to be tolerated by in silico analysis. Based on the available evidence, the clinical significance of this variant remains unclear.

Labcorp Genetics (formerly Invitae), Labcorp
Classification: Uncertain significance for Dilated cardiomyopathy 1DD. Last evaluated: 2022-03-23. Review status: criteria provided, single submitter. Criteria: Invitae Variant Classification Sherloc (09022015). Collection method: clinical testing. Allele origin: germline.
Comment: In summary, the available evidence is currently insufficient to determine the role of this variant in disease. Therefore, it has been classified as a Variant of Uncertain Significance. Advanced modeling of protein sequence and biophysical properties (such as structural, functional, and spatial information, amino acid conservation, physicochemical variation, residue mobility, and thermodynamic stability) performed at Invitae indicates that this missense variant is not expected to disrupt RBM20 protein function. ClinVar contains an entry for this variant (Variation ID: 538016). This variant has not been reported in the literature in individuals affected with RBM20-related conditions. This variant is not present in population databases (gnomAD no frequency). This sequence change replaces serine, which is neutral and polar, with arginine, which is basic and polar, at codon 294 of the RBM20 protein (p.Ser294Arg).